The following is an entry in ClinVar:

NM_003242.6(TGFBR2):c.1468_1470del (p.Asn490del)

Gene: TGFBR2 (transforming growth factor beta receptor 2; plus strand). Cytogenetic location: 3p24.1.
Variant type: Deletion.
Coding change: c.1468_1470del on transcript NM_003242.6 (MANE Select); coding-DNA positions 1468 to 1470, 3 bases deleted (AAC; older notation c.1468_1470delAAC).
Protein change: p.Asn490del; deletes asparagine 490.
Genome position (GRCh38, 1-based): chr3:30,688,455-30,688,457, AAC deleted; deleting any 3 consecutive bases within chr3:30,688,453-30,688,457 gives the same sequence; the c. name uses the placement nearest the transcript's 3' end. VCF-style (leftmost placement, unchanged base first): chr3-30688452-GACA-G. GRCh37 (hg19) VCF-style: chr3-30729944-GACA-G.
Other names: c.1543_1545del, p.Asn515del (NM_001024847.3); c.1651_1653del, p.Asn551del (NM_001407126.1); c.1576_1578del, p.Asn526del (NM_001407127.1); c.1495_1497del, p.Asn499del (NM_001407128.1); c.1471_1473del, p.Asn491del (NM_001407129.1); c.1465_1467del, p.Asn489del (NM_001407130.1); c.1363_1365del, p.Asn455del (NM_001407132.1, NM_001407133.1, NM_001407134.1 and 2 more transcripts); c.1183_1185del, p.Asn395del (NM_001407137.1); and 2 more; short protein forms N200del, N370del, N455del, N489del, N526del, N490del, N395del, N515del.
Identifiers: ClinVar variation 3687434 (VCV003687434.2).
Genomic context (GRCh38, chr3:30,688,452, plus strand): 5'-GATTATGAGCCTCCATTTGGTTCCAAGGTGCGGGAGCACCCCTGTGTCGAAAGCATGAAG[GACA>G]ACGTGTTGAGAGATCGAGGGCGACCAGAAATTCCCAGCTTCTGGCTCAACCACCAGGTAA-3'

ClinVar aggregate classification (germline): Uncertain significance (1 of 4 stars; one submission).

Conditions:
Familial thoracic aortic aneurysm and aortic dissection (TAAD). Also called: Thoracic aortic aneurysms and dissections. Identifiers: Orphanet 91387, MedGen C4707243, MONDO:0019625.

Submission:

Labcorp Genetics (formerly Invitae), Labcorp
Classification: Uncertain significance for Familial thoracic aortic aneurysm and aortic dissection. Last evaluated: 2024-12-18. Review status: criteria provided, single submitter. Criteria: Invitae Variant Classification Sherloc (09022015). Collection method: clinical testing. Allele origin: germline.
Comment: This variant, c.1468_1470del, results in the deletion of 1 amino acid(s) of the TGFBR2 protein (p.Asn490del), but otherwise preserves the integrity of the reading frame. This variant is not present in population databases (gnomAD no frequency). This variant has not been reported in the literature in individuals affected with TGFBR2-related conditions. Experimental studies and prediction algorithms are not available or were not evaluated, and the functional significance of this variant is currently unknown. In summary, the available evidence is currently insufficient to determine the role of this variant in disease. Therefore, it has been classified as a Variant of Uncertain Significance.